The following is an entry in ClinVar:

ClinVar aggregate classification (germline): Uncertain significance. Review status: criteria provided, multiple submitters, no conflicts (2 of 4 stars). 2 submissions from 2 submitters: Uncertain significance (2). Last evaluated 2024-05-09.

Conditions:
Oculootoradial syndrome (IVIC). Also called: RADIAL RAY DEFECTS, HEARING IMPAIRMENT, EXTERNAL OPHTHALMOPLEGIA, AND THROMBOCYTOPENIA; IVIC syndrome. Identifiers: Orphanet 2307, MedGen C1327918, MONDO:0007836, OMIM 147750.
Duane-radial ray syndrome (DRRS). Also called: DR SYNDROME; ACRORENOOCULAR SYNDROME; DUANE ANOMALY WITH RADIAL RAY ABNORMALITIES AND DEAFNESS; Duane-Radial Ray Syndrome/Okihiro Syndrome; Duane-Radial Ray Syndrome (DRRS) / Okihiro Syndrome; Okihiro Syndrome. Identifiers: Orphanet 93293, Orphanet 959, MedGen C1623209, MONDO:0011812, OMIM 607323. Disease mechanism: gain of function.

Allele frequency attached by ClinVar (database versions not stated): ExAC 0.00001; gnomAD 0.00001; gnomAD exomes 0.00001; TOPMed 0.00002.

Submissions (2):

Fulgent Genetics
Classification: Uncertain significance for Oculootoradial syndrome; Duane-radial ray syndrome. Last evaluated: 2024-05-09. Review status: criteria provided, single submitter. Criteria: ACMG Guidelines, 2015. Collection method: clinical testing. Allele origin: germline.

Labcorp Genetics (formerly Invitae), Labcorp
Classification: Uncertain significance for Duane-radial ray syndrome. Last evaluated: 2022-06-22. Review status: criteria provided, single submitter. Criteria: Invitae Variant Classification Sherloc (09022015). Collection method: clinical testing. Allele origin: germline.
Comment: In summary, the available evidence is currently insufficient to determine the role of this variant in disease. Therefore, it has been classified as a Variant of Uncertain Significance. Algorithms developed to predict the effect of missense changes on protein structure and function are either unavailable or do not agree on the potential impact of this missense change (SIFT: "Deleterious"; PolyPhen-2: "Probably Damaging"; Align-GVGD: "Class C15"). This variant has not been reported in the literature in individuals affected with SALL4-related conditions. This variant is present in population databases (rs751089738, gnomAD 0.003%). This sequence change replaces arginine, which is basic and polar, with cysteine, which is neutral and slightly polar, at codon 402 of the SALL4 protein (p.Arg402Cys).

NM_020436.5(SALL4):c.1204C>T (p.Arg402Cys)

Gene: SALL4 (spalt like transcription factor 4; minus strand). Cytogenetic location: 20q13.2.
Variant type: single nucleotide variant.
Coding change: c.1204C>T on transcript NM_020436.5 (MANE Select); coding-DNA position 1204, C replaced by T.
Protein change: p.Arg402Cys; replaces arginine 402 with cysteine.
Molecular consequence: missense variant. On other transcripts: intron variant (1).
Genome position (GRCh38, 1-based): chr20:51,791,279, G>A on the plus strand (C>T on the coding strand, the complement: SALL4 is on the minus strand). VCF-style: chr20-51791279-G-A. GRCh37 (hg19) VCF-style: chr20-50407818-G-A.
Other names: c.1150+54C>T (NM_001318031.2); short protein forms R402C.
Identifiers: ClinVar variation 2043078 (VCV002043078.5), dbSNP rs751089738, ClinGen allele CA9912328.
Genomic context (GRCh38, chr20:51,791,279, plus strand): 5'-TGGTGGTGAAGCGATGACCACAGACAGAGCACACGAAGGGTCTCTCTCCAGTGTGGGAGC[G>A]GAGGTGGATCTGCAAGGAGCTATCAGTCCCAAAAACCTTGCTACAGTACTTACACTTGTG-3'
Protein context (NP_065169.1, residues 392-412): GTDSSLQIHL[Arg402Cys]SHTGERPFVC